The following is an entry in ClinVar:

NM_020971.3(SPTBN4):c.5929G>A (p.Val1977Met)

Gene: SPTBN4 (spectrin beta, non-erythrocytic 4; plus strand). Cytogenetic location: 19q13.2.
Variant type: single nucleotide variant.
Coding change: c.5929G>A on transcript NM_020971.3 (MANE Select); coding-DNA position 5929, G replaced by A.
Protein change: p.Val1977Met; replaces valine 1977 with methionine.
Molecular consequence: missense variant.
Genome position (GRCh38, 1-based): chr19:40,565,436, G>A. VCF-style: chr19-40565436-G-A. GRCh37 (hg19) VCF-style: chr19-41071342-G-A.
Other names: short protein forms V1977M.
Identifiers: ClinVar variation 1033562 (VCV001033562.1), dbSNP rs756862656, ClinGen allele CA9446661.

ClinVar aggregate classification (germline): Uncertain significance (1 of 4 stars; one submission).

Conditions:
Neurodevelopmental disorder with hypotonia, neuropathy, and deafness (NEDHND). Also called: Myopathy, congenital, with neuropathy and deafness; SPTBN4 Disorder. Identifiers: MedGen C4479603, MONDO:0060496, OMIM 617519.

Allele frequency attached by ClinVar (database versions not stated): gnomAD exomes 0.00001 and 0.00002; TOPMed 0.00001; ExAC 0.00002.
gnomAD v4.1: 3 of 1,613,814 alleles (0.00019%); highest among the groups gnomAD compares: Admixed American, 0.005%; no homozygotes.

Submission:

Baylor Genetics
Classification: Uncertain significance for Neurodevelopmental disorder with hypotonia, neuropathy, and deafness. Last evaluated: 2018-03-22. Review status: criteria provided, single submitter. Criteria: ACMG Guidelines, 2015. Collection method: clinical testing. Allele origin: maternal. Affected: yes.
Comment: This variant was determined to be of uncertain significance according to ACMG Guidelines, 2015 [PMID:25741868].